The following is an entry in ClinVar:

ClinVar aggregate classification (germline): Uncertain significance (1 of 4 stars; one submission).

Submission:

GeneDx
Classification: Uncertain significance. Last evaluated: 2024-09-19. Review status: criteria provided, single submitter. Criteria: GeneDx Variant Classification Process June 2021. Collection method: clinical testing. Allele origin: germline. Affected: yes.
Comment: Not observed at significant frequency in large population cohorts (gnomAD); In silico analysis supports that this missense variant has a deleterious effect on protein structure/function; Has not been previously published as pathogenic or benign to our knowledge

NM_173495.3(PTCHD1):c.575T>C (p.Leu192Pro)

Gene: PTCHD1 (patched domain containing 1; plus strand). Cytogenetic location: Xp22.11.
Variant type: single nucleotide variant.
Coding change: c.575T>C on transcript NM_173495.3 (MANE Select); coding-DNA position 575, T replaced by C.
Protein change: p.Leu192Pro; replaces leucine 192 with proline.
Molecular consequence: missense variant.
Genome position (GRCh38, 1-based): chrX:23,379,814, T>C. VCF-style: chrX-23379814-T-C. GRCh37 (hg19) VCF-style: chrX-23397931-T-C.
Other names: short protein forms L192P.
Identifiers: ClinVar variation 3774097 (VCV003774097.1).